The following is an entry in ClinVar:

ClinVar aggregate classification (germline): Benign. Review status: criteria provided, multiple submitters, no conflicts (2 of 4 stars). 3 submissions from 3 submitters: Benign (2). 1 of the submissions does not count toward it. Last evaluated 2026-01-19.

Conditions:
LAMA5-related disorder. Also called: LAMA5-Related Disorders; LAMA5-related condition.

Allele frequency attached by ClinVar (database versions not stated): gnomAD exomes 0.00048 and 0.00143; ExAC 0.00170; gnomAD 0.00519 and 0.00551; ESP Exome Variant Server 0.00525; TOPMed 0.00558; 1000 Genomes Project 30x 0.00718; 1000 Genomes Project 0.00719.
gnomAD v4.1: 1,488 of 1,556,116 alleles (0.096%); highest among the groups gnomAD compares: African/African-American, 1.9%; 15 homozygotes.

Submissions (3):

Labcorp Genetics (formerly Invitae), Labcorp
Classification: Benign. Last evaluated: 2026-01-19. Review status: criteria provided, single submitter. Criteria: Invitae Variant Classification Sherloc (09022015). Collection method: clinical testing. Allele origin: germline.

Breakthrough Genomics
Classification: Benign. Review status: criteria provided, single submitter. Criteria: ACMG Guidelines, 2015. Collection method: not provided. Allele origin: germline. Inheritance: Autosomal recessive inheritance. Affected: yes.

PreventionGenetics, part of Exact Sciences
Classification: Benign for LAMA5-related condition. Last evaluated: 2019-03-25. Review status: no assertion criteria provided. Collection method: clinical testing. Allele origin: germline. Not counted in ClinVar's aggregate classification.
Comment: This variant is classified as benign based on ACMG/AMP sequence variant interpretation guidelines (Richards et al. 2015 PMID: 25741868, with internal and published modifications).

NM_005560.6(LAMA5):c.5697C>T (p.Phe1899=)

Gene: LAMA5 (laminin subunit alpha 5; minus strand). Cytogenetic location: 20q13.33.
Variant type: single nucleotide variant.
Coding change: c.5697C>T on transcript NM_005560.6 (MANE Select); coding-DNA position 5697, C replaced by T.
Protein change: p.Phe1899=; no amino-acid change (phenylalanine 1899 retained).
Molecular consequence: synonymous variant.
Genome position (GRCh38, 1-based): chr20:62,324,151, G>A on the plus strand (C>T on the coding strand, the complement: LAMA5 is on the minus strand). VCF-style: chr20-62324151-G-A. GRCh37 (hg19) VCF-style: chr20-60899207-G-A.
Other names: c.5697C>T (NM_005560.4).
Identifiers: ClinVar variation 1663606 (VCV001663606.11), dbSNP rs114359027, ClinGen allele CA9942089.
Genomic context (GRCh38, chr20:62,324,151, plus strand): 5'-CACTGAGAGGGGGCAGGGGCAGCTGACACAGGGGGCGCTGGGGTCGTCCCTGCTGCTCAC[G>A]AAGCCAGCCTGGCAGCGCTCACAGTGGGCCCCTTCGGTGTTGTGCTGGCAGTCCTGGGGC-3'
Protein context (NP_005551.3, residues 1889-1909): GAHCERCQAG[Phe1899=]VSSRDDPSAP